The following is an entry in ClinVar:

ClinVar aggregate classification (germline): Uncertain significance (1 of 4 stars; one submission).

Conditions:
Spermatogenic failure 18. Identifiers: MedGen C4539783, MONDO:0054615, OMIM 617576.
Ciliary dyskinesia, primary, 37 (CILD37). Also called: CILIARY DYSKINESIA, PRIMARY, 37, WITH OR WITHOUT SITUS INVERSUS. Identifiers: MedGen C4539798, MONDO:0033204, OMIM 617577.

Submission:

Labcorp Genetics (formerly Invitae), Labcorp
Classification: Uncertain significance for Ciliary dyskinesia, primary, 37; Spermatogenic failure 18. Last evaluated: 2021-08-26. Review status: criteria provided, single submitter. Criteria: Invitae Variant Classification Sherloc (09022015). Collection method: clinical testing. Allele origin: germline.
Comment: In summary, the available evidence is currently insufficient to determine the role of this variant in disease. Therefore, it has been classified as a Variant of Uncertain Significance. Algorithms developed to predict the effect of missense changes on protein structure and function are either unavailable or do not agree on the potential impact of this missense change (SIFT: "Deleterious"; PolyPhen-2: "Probably Damaging"; Align-GVGD: "Class C0"). This variant has not been reported in the literature in individuals affected with DNAH1-related conditions. This variant is not present in population databases (ExAC no frequency). This sequence change replaces cysteine with serine at codon 3853 of the DNAH1 protein (p.Cys3853Ser). The cysteine residue is highly conserved and there is a moderate physicochemical difference between cysteine and serine.

NM_015512.5(DNAH1):c.11558G>C (p.Cys3853Ser)

Gene: DNAH1 (dynein axonemal heavy chain 1; plus strand). Cytogenetic location: 3p21.1.
Variant type: single nucleotide variant.
Coding change: c.11558G>C on transcript NM_015512.5 (MANE Select); coding-DNA position 11558, G replaced by C.
Protein change: p.Cys3853Ser; replaces cysteine 3853 with serine.
Molecular consequence: missense variant.
Genome position (GRCh38, 1-based): chr3:52,396,745, G>C. VCF-style: chr3-52396745-G-C. GRCh37 (hg19) VCF-style: chr3-52430761-G-C.
Other names: short protein forms C3853S.
Identifiers: ClinVar variation 1386522 (VCV001386522.6), dbSNP rs767788052, ClinGen allele CA353079672.
Genomic context (GRCh38, chr3:52,396,745, plus strand): 5'-AGTTTGGGCCCCTGGGCTTCAACATCCCCTATGAGTTCACGGATGGAGATCTGCGCATCT[G>C]CATCAGCCAGCTCAAGATGTTCCTGGACGAATATGATGACATCCCCTACAAGGTGGGCCT-3'
Protein context (NP_056327.4, residues 3843-3863): YEFTDGDLRI[Cys3853Ser]ISQLKMFLDE